The following is an entry in ClinVar:

NM_017617.5(NOTCH1):c.3441C>T (p.Asp1147=)

Gene: NOTCH1 (notch receptor 1; minus strand). Cytogenetic location: 9q34.3.
Variant type: single nucleotide variant.
Coding change: c.3441C>T on transcript NM_017617.5 (MANE Select); coding-DNA position 3441, C replaced by T.
Protein change: p.Asp1147=; no amino-acid change (aspartic acid 1147 retained).
Molecular consequence: synonymous variant.
Genome position (GRCh38, 1-based): chr9:136,508,024, G>A on the plus strand (C>T on the coding strand, the complement: NOTCH1 is on the minus strand). VCF-style: chr9-136508024-G-A. GRCh37 (hg19) VCF-style: chr9-139402476-G-A.
Other names: c.3441C>T (NM_017617.4).
Identifiers: ClinVar variation 915769 (VCV000915769.15), dbSNP rs377488165, ClinGen allele CA5340927.

ClinVar aggregate classification (germline): Likely benign. Review status: criteria provided, multiple submitters, no conflicts (2 of 4 stars). 7 submissions from 6 submitters: Likely benign (6). 1 of the submissions does not count toward it. Last evaluated 2023-10-16.

Conditions:
NOTCH1-related disorder. Also called: NOTCH1-related condition; NOTCH1-related disorders.
Aortic valve disease 1 (AOVD1). Identifiers: MedGen C3887892, MONDO:0024523, OMIM 109730.
Familial thoracic aortic aneurysm and aortic dissection (TAAD). Also called: Thoracic aortic aneurysms and dissections. Identifiers: Orphanet 91387, MedGen C4707243, MONDO:0019625.
Adams-Oliver syndrome 5 (AOS5). Identifiers: Orphanet 974, MedGen C4014970, MONDO:0014459, OMIM 616028.

Allele frequency attached by ClinVar (database versions not stated): ExAC 0.00001; gnomAD 0.00001; gnomAD exomes 0.00001 and 0.00003; TOPMed 0.00001; ESP Exome Variant Server 0.00008.
gnomAD v4.1: 49 of 1,612,298 alleles (0.003%); highest among the groups gnomAD compares: Non-Finnish European, 0.0039%; no homozygotes.

Submissions (7):

Labcorp Genetics (formerly Invitae), Labcorp
Classification: Likely benign for Adams-Oliver syndrome 5. Last evaluated: 2023-10-16. Review status: criteria provided, single submitter. Criteria: Invitae Variant Classification Sherloc (09022015). Collection method: clinical testing. Allele origin: germline.

Blueprint Genetics
Classification: Likely benign. Last evaluated: 2023-02-28. Review status: criteria provided, single submitter. Criteria: ACMG Guidelines, 2015. Collection method: clinical testing. Allele origin: germline.

Ambry Genetics
Classification: Likely benign for Familial thoracic aortic aneurysm and aortic dissection. Last evaluated: 2023-01-01. Review status: criteria provided, single submitter. Criteria: Ambry Variant Classification Scheme 2023. Collection method: clinical testing. Allele origin: germline.

Genome-Nilou Lab
Classification: Likely benign for Adams-Oliver syndrome 5. Last evaluated: 2022-03-15. Review status: criteria provided, single submitter. Criteria: ACMG Guidelines, 2015. Collection method: clinical testing. Allele origin: germline. Affected: no.

Genome-Nilou Lab
Classification: Likely benign for Aortic valve disease 1. Last evaluated: 2022-03-15. Review status: criteria provided, single submitter. Criteria: ACMG Guidelines, 2015. Collection method: clinical testing. Allele origin: germline. Affected: no.

CHEO Genetics Diagnostic Laboratory, Children's Hospital of Eastern Ontario
Classification: Likely benign for Familial thoracic aortic aneurysm and aortic dissection. Last evaluated: 2018-01-29. Review status: criteria provided, single submitter. Criteria: ACMG Guidelines, 2015. Collection method: clinical testing. Allele origin: germline.

PreventionGenetics, part of Exact Sciences
Classification: Likely benign for NOTCH1-related condition. Last evaluated: 2019-09-05. Review status: no assertion criteria provided. Collection method: clinical testing. Allele origin: germline. Not counted in ClinVar's aggregate classification.
Comment: This variant is classified as likely benign based on ACMG/AMP sequence variant interpretation guidelines (Richards et al. 2015 PMID: 25741868, with internal and published modifications).